The following is an entry in ClinVar:

ClinVar aggregate classification (germline): Uncertain significance. Review status: criteria provided, single submitter (1 of 4 stars). 2 submissions from 2 submitters: Uncertain significance (1). 1 of the submissions does not count toward it. Last evaluated 2019-03-29.

Conditions:
CFTR-related disorder (CFTR-RD). Also called: CFTR-related disorders; CFTR-related condition. Identifiers: MedGen C5924204, MONDO:7770004.

gnomAD v4.1: 1 of 1,604,422 alleles (0.000062%); highest among the groups gnomAD compares: Non-Finnish European, 0.000085%; no homozygotes.

Submissions (2):

ARUP Laboratories, Molecular Genetics and Genomics, ARUP Laboratories
Classification: Uncertain significance. Last evaluated: 2019-03-29. Review status: criteria provided, single submitter. Criteria: ARUP Molecular Germline Variant Investigation Process. Collection method: clinical testing. Allele origin: germline.
Comment: The CFTR c.1407G>A; p.Met469Ile variant (rs143218779) is reported in the literature in several individuals affected with congenital bilateral absence of the vas deferens (CBAVD) (Chiang 2019, Wu 2005). This variant found on only a single chromosome in the Genome Aggregation Database (1/251252 alleles), indicating it is not a common polymorphism. The methionine at codon 469 is highly conserved, but computational analyses (SIFT, PolyPhen-2) predict that this variant is tolerated. However, another amino acid substitution at this codon (p.Met469Val) has been reported in individuals with CBAVD or pancreatitis (Lu 2013, Lu 2014, Xiao 2017). Nonetheless, due to limited information, the clinical significance of the p.Met469Ile variant is uncertain at this time. References: Chiang HS et al. The role of SLC9A3 in Taiwanese patients with congenital bilateral absence of vas deferens (CBAVD). J Formos Med Assoc. 2019 Feb 20. pii: S0929-6646(18)30529-1. Lu S et al. Association of cystic fibrosis transmembrane-conductance regulator gene mutation with negative outcome of intracytoplasmic sperm injection pregnancy in cases of congenital bilateral absence of vas deferens. Fertil Steril. 2014 May;101(5):1255-60. Lu S et al. Different cystic fibrosis transmembrane conductance regulator mutations in Chinese men with congenital bilateral absence of vas deferens and other acquired obstructive azoospermia. Urology. 2013 Oct;82(4):824-8. Wu CC et al. Mutation spectrum of the CFTR gene in Taiwanese patients with congenital bilateral absence of the vas deferens. Hum Reprod. 2005 Sep;20(9):2470-5. Xiao Y et al. Targeted Gene Next-Generation Sequencing in Chinese Children with Chronic Pancreatitis and Acute Recurrent Pancreatitis. J Pediatr. 2017 Dec;191:158-163.e3.

Natera, Inc.
Classification: Uncertain significance for CFTR-related disorders. Last evaluated: 2021-07-07. Review status: no assertion criteria provided. Collection method: clinical testing. Allele origin: germline. Not counted in ClinVar's aggregate classification.

NM_000492.4(CFTR):c.1407G>A (p.Met469Ile)

Genes: CFTR (CF transmembrane conductance regulator; plus strand), CFTR-AS1 (CFTR antisense RNA 1; minus strand). Cytogenetic location: 7q31.2.
Variant type: single nucleotide variant.
Coding change: c.1407G>A on transcript NM_000492.4 (MANE Select); coding-DNA position 1407, G replaced by A.
Protein change: p.Met469Ile; replaces methionine 469 with isoleucine.
Molecular consequence: missense variant.
Genome position (GRCh38, 1-based): chr7:117,559,478, G>A. VCF-style: chr7-117559478-G-A. GRCh37 (hg19) VCF-style: chr7-117199532-G-A.
Other names: short protein forms M469I.
Identifiers: ClinVar variation 811375 (VCV000811375.9), dbSNP rs143218779, ClinGen allele CA4451002.
Genomic context (GRCh38, chr7:117,559,478, plus strand): 5'-GAGCGTGATTTGATAATGACCTAATAATGATGGGTTTTATTTCCAGACTTCACTTCTAAT[G>A]GTGATTATGGGAGAACTGGAGCCTTCAGAGGGTAAAATTAAGCACAGTGGAAGAATTTCA-3'
Protein context (NP_000483.3, residues 459-479): STGAGKTSLL[Met469Ile]VIMGELEPSE